The following is an entry in ClinVar:

NM_006766.5(KAT6A):c.4042C>G (p.Gln1348Glu)

Gene: KAT6A (lysine acetyltransferase 6A; minus strand). Cytogenetic location: 8p11.21.
Variant type: single nucleotide variant.
Coding change: c.4042C>G on transcript NM_006766.5 (MANE Select); coding-DNA position 4042, C replaced by G.
Protein change: p.Gln1348Glu; replaces glutamine 1348 with glutamic acid.
Molecular consequence: missense variant.
Genome position (GRCh38, 1-based): chr8:41,934,178, G>C on the plus strand (C>G on the coding strand, the complement: KAT6A is on the minus strand). VCF-style: chr8-41934178-G-C. GRCh37 (hg19) VCF-style: chr8-41791696-G-C.
Other names: short protein forms Q1348E.
Identifiers: ClinVar variation 4839386 (VCV004839386.1).

ClinVar aggregate classification (germline): Uncertain significance (1 of 4 stars; one submission).

Conditions:
Inborn genetic diseases. Identifiers: MedGen C0950123, MeSH D030342.

gnomAD v4.1: 1 of 1,613,890 alleles (0.000062%); highest among the groups gnomAD compares: Non-Finnish European, 0.000085%; no homozygotes.

Submission:

Ambry Genetics
Classification: Uncertain significance for Inborn genetic diseases. Last evaluated: 2026-01-14. Review status: criteria provided, single submitter. Criteria: Ambry Variant Classification Scheme 2023. Collection method: clinical testing. Allele origin: germline.
Comment: The c.4042C>G (p.Q1348E) alteration is located in exon 17 (coding exon 16) of the KAT6A gene. This alteration results from a C to G substitution at nucleotide position 4042, causing the glutamine (Q) at amino acid position 1348 to be replaced by a glutamic acid (E). Based on data from gnomAD, the G allele has an overall frequency of <0.001% (1/251458) total alleles studied. The highest observed frequency was 0.001% (1/113740) of European (non-Finnish) alleles. Based on insufficient or conflicting evidence, the clinical significance of this alteration remains unclear.